The following is an entry in ClinVar:

NM_198241.3(EIF4G1):c.2823C>T (p.Thr941=)

Gene: EIF4G1 (eukaryotic translation initiation factor 4 gamma 1; plus strand). Cytogenetic location: 3q27.1.
Variant type: single nucleotide variant.
Coding change: c.2823C>T on transcript NM_198241.3 (MANE Select); coding-DNA position 2823, C replaced by T.
Protein change: p.Thr941=; no amino-acid change (threonine 941 retained).
Molecular consequence: synonymous variant.
Genome position (GRCh38, 1-based): chr3:184,325,081, C>T. VCF-style: chr3-184325081-C-T. GRCh37 (hg19) VCF-style: chr3-184042869-C-T.
Other names: p.Thr941=; c.2844C>T, p.Thr948= (NM_001194946.2, NM_001194947.2); c.2703C>T, p.Thr901= (NM_001291157.2); c.2238C>T, p.Thr746= (NM_004953.5); c.2826C>T, p.Thr942= (NM_182917.4); c.2331C>T, p.Thr777= (NM_198242.3); c.2562C>T, p.Thr854= (NM_198244.3).
Identifiers: ClinVar variation 4684749 (VCV004684749.1).

ClinVar aggregate classification (germline): Likely benign (1 of 4 stars; one submission).

gnomAD v4.1: 122 of 1,614,056 alleles (0.0076%); highest among the groups gnomAD compares: Middle Eastern, 0.016%; no homozygotes.

Submission:

Mayo Clinic Laboratories, Mayo Clinic
Classification: Likely benign. Last evaluated: 2025-08-01. Review status: criteria provided, single submitter. Criteria: ACMG Guidelines, 2015. Collection method: clinical testing. Allele origin: germline. Observed: 1 variant allele.
Comment: BP4, BP7